The following is an entry in ClinVar:

ClinVar aggregate classification (germline): Conflicting classifications of pathogenicity. Review status: criteria provided, conflicting classifications (1 of 4 stars). 4 submissions from 4 submitters: Uncertain significance (1); Likely benign (2). 1 of the submissions does not count toward it. Last evaluated 2024-11-21.

Conditions:
Alkuraya-Kucinskas syndrome. Identifiers: Orphanet 610569, MedGen C4693347, MONDO:0060631, OMIM 617822.
BLTP1-related disorder. Also called: BLTP1-related condition.

Allele frequency attached by ClinVar (database versions not stated): 1000 Genomes Project 0.00020; 1000 Genomes Project 30x 0.00031; ESP Exome Variant Server 0.00100; ExAC 0.00143.
gnomAD v4.1: 3,183 of 1,613,996 alleles (0.2%); highest among the groups gnomAD compares: Non-Finnish European, 0.24%; 7 homozygotes.

Submissions (4):

Blueprint Genetics
Classification: Likely benign. Last evaluated: 2024-11-21. Review status: criteria provided, single submitter. Criteria: ACMG Guidelines, 2015. Collection method: clinical testing. Allele origin: germline.

Ambry Genetics
Classification: Likely benign. Last evaluated: 2021-08-16. Review status: criteria provided, single submitter. Criteria: Ambry Variant Classification Scheme 2023. Collection method: clinical testing. Allele origin: germline.

Revvity Omics, Revvity
Classification: Uncertain significance for Alkuraya-Kucinskas syndrome. Last evaluated: 2020-07-24. Review status: criteria provided, single submitter. Criteria: ACMG Guidelines, 2015. Collection method: clinical testing. Allele origin: germline.

PreventionGenetics, part of Exact Sciences
Classification: Likely benign for BLTP1-related condition. Last evaluated: 2022-07-19. Review status: no assertion criteria provided. Collection method: clinical testing. Allele origin: germline. Not counted in ClinVar's aggregate classification.
Comment: This variant is classified as likely benign based on ACMG/AMP sequence variant interpretation guidelines (Richards et al. 2015 PMID: 25741868, with internal and published modifications).

NM_001384125.1(BLTP1):c.9209T>G (p.Val3070Gly)

Gene: BLTP1 (bridge-like lipid transfer protein family member 1; plus strand). Cytogenetic location: 4q27.
Variant type: single nucleotide variant.
Coding change: c.9209T>G on transcript NM_001384125.1 (MANE Select); coding-DNA position 9209, T replaced by G.
Protein change: p.Val3070Gly; replaces valine 3070 with glycine.
Molecular consequence: missense variant.
Genome position (GRCh38, 1-based): chr4:122,286,712, T>G. VCF-style: chr4-122286712-T-G. GRCh37 (hg19) VCF-style: chr4-123207867-T-G.
Other names: c.9209T>G, p.Val3070Gly (NM_015312.4); short protein forms V3070G.
Identifiers: ClinVar variation 2433109 (VCV002433109.7), dbSNP rs79067453, ClinGen allele CA3067324.